The following is an entry in ClinVar:

ClinVar aggregate classification (germline): Uncertain significance. Review status: criteria provided, multiple submitters, no conflicts (2 of 4 stars). 2 submissions from 2 submitters: Uncertain significance (2). Last evaluated 2026-01-21.

Conditions:
Brugada syndrome. Also called: Sudden Unexplained Death Syndrome; Sudden Unexplained Nocturnal Death Syndrome (SUNDS); Sudden unexpected nocturnal death syndrome; Sudden unexplained nocturnal death syndrome. Identifiers: Orphanet 130, MedGen C1142166, MONDO:0015263.
Cardiovascular phenotype. Identifiers: MedGen CN230736.

Allele frequency attached by ClinVar (database versions not stated): gnomAD exomes below 0.00001; gnomAD 0.00004; ESP Exome Variant Server 0.00008; TOPMed 0.00009.
gnomAD v4.1: 7 of 1,614,028 alleles (0.00043%); highest among the groups gnomAD compares: African/African-American, 0.008%; no homozygotes.

Submissions (2):

Labcorp Genetics (formerly Invitae), Labcorp
Classification: Uncertain significance for Brugada syndrome. Last evaluated: 2026-01-21. Review status: criteria provided, single submitter. Criteria: Invitae Variant Classification Sherloc (09022015). Collection method: clinical testing. Allele origin: germline.
Comment: This sequence change replaces threonine, which is neutral and polar, with isoleucine, which is neutral and non-polar, at codon 283 of the KCNJ8 protein (p.Thr283Ile). This variant is present in population databases (rs145194613, gnomAD 0.01%). This variant has not been reported in the literature in individuals affected with KCNJ8-related conditions. ClinVar contains an entry for this variant (Variation ID: 1763566). Invitae Evidence Modeling of protein sequence and biophysical properties (such as structural, functional, and spatial information, amino acid conservation, physicochemical variation, residue mobility, and thermodynamic stability) indicates that this missense variant is not expected to disrupt KCNJ8 protein function with a negative predictive value of 80%. In summary, the available evidence is currently insufficient to determine the role of this variant in disease. Therefore, it has been classified as a Variant of Uncertain Significance.

Ambry Genetics
Classification: Uncertain significance for Cardiovascular phenotype. Last evaluated: 2022-09-08. Review status: criteria provided, single submitter. Criteria: Ambry Variant Classification Scheme 2023. Collection method: clinical testing. Allele origin: germline.
Comment: The p.T283I variant (also known as c.848C>T), located in coding exon 2 of the KCNJ8 gene, results from a C to T substitution at nucleotide position 848. The threonine at codon 283 is replaced by isoleucine, an amino acid with similar properties. This amino acid position is not well conserved in available vertebrate species. In addition, this alteration is predicted to be tolerated by in silico analysis. Since supporting evidence is limited at this time, the clinical significance of this alteration remains unclear.

NM_004982.4(KCNJ8):c.848C>T (p.Thr283Ile)

Genes: KCNJ8 (potassium inwardly rectifying channel subfamily J member 8; minus strand), KCNJ8-AS1 (KCNJ8 antisense RNA 1; plus strand). Cytogenetic location: 12p12.1.
Variant type: single nucleotide variant.
Coding change: c.848C>T on transcript NM_004982.4 (MANE Select); coding-DNA position 848, C replaced by T.
Protein change: p.Thr283Ile; replaces threonine 283 with isoleucine.
Molecular consequence: missense variant.
Genome position (GRCh38, 1-based): chr12:21,766,150, G>A on the plus strand (C>T on the coding strand, the complement: KCNJ8 is on the minus strand). VCF-style: chr12-21766150-G-A. GRCh37 (hg19) VCF-style: chr12-21919084-G-A.
Identifiers: ClinVar variation 1763566 (VCV001763566.3), dbSNP rs145194613, ClinGen allele CA233613801.